The following is an entry in ClinVar:

ClinVar aggregate classification (germline): Conflicting classifications of pathogenicity. Review status: criteria provided, conflicting classifications (1 of 4 stars). 4 submissions from 4 submitters: Uncertain significance (2); Likely benign (2). Last evaluated 2026-05-05.

Conditions:
OTOG-related disorder. Also called: OTOG-related condition.

Allele frequency attached by ClinVar (database versions not stated): ExAC 0.00007; gnomAD exomes 0.00012 and 0.00013; gnomAD 0.00050 and 0.00051; TOPMed 0.00054; 1000 Genomes Project 0.00080; 1000 Genomes Project 30x 0.00125.
gnomAD v4.1: 247 of 1,550,278 alleles (0.016%); highest among the groups gnomAD compares: African/African-American, 0.18%; 1 homozygote.

Submissions (4):

PreventionGenetics, part of Exact Sciences
Classification: Likely benign for OTOG-related condition. Last evaluated: 2026-05-05. Review status: criteria provided, single submitter. Criteria: ACMG Guidelines, 2015. Collection method: clinical testing. Allele origin: germline.
Comment: This variant is classified as likely benign based on ACMG/AMP sequence variant interpretation guidelines (Richards et al. 2015 PMID: 25741868, with internal and published modifications).

Labcorp Genetics (formerly Invitae), Labcorp
Classification: Uncertain significance. Last evaluated: 2024-10-24. Review status: criteria provided, single submitter. Criteria: Invitae Variant Classification Sherloc (09022015). Collection method: clinical testing. Allele origin: germline.
Comment: This sequence change replaces valine, which is neutral and non-polar, with methionine, which is neutral and non-polar, at codon 2671 of the OTOG protein (p.Val2671Met). This variant is present in population databases (rs542442173, gnomAD 0.2%). This variant has not been reported in the literature in individuals affected with OTOG-related conditions. ClinVar contains an entry for this variant (Variation ID: 227802). An algorithm developed to predict the effect of missense changes on protein structure and function outputs the following: PolyPhen-2: "Benign". The methionine amino acid residue is found in multiple mammalian species, which suggests that this missense change does not adversely affect protein function. In summary, the available evidence is currently insufficient to determine the role of this variant in disease. Therefore, it has been classified as a Variant of Uncertain Significance.

GeneDx
Classification: Uncertain significance. Last evaluated: 2020-05-18. Review status: criteria provided, single submitter. Criteria: GeneDx Variant Classification Process June 2021. Collection method: clinical testing. Allele origin: germline. Affected: yes.
Comment: In silico analysis supports that this missense variant does not alter protein structure/function; Has not been previously published as pathogenic or benign to our knowledge

Laboratory for Molecular Medicine, Mass General Brigham Personalized Medicine
Classification: Likely benign. Last evaluated: 2016-02-04. Review status: criteria provided, single submitter. Criteria: LMM Criteria. Collection method: clinical testing. Allele origin: germline. Observed: 1 variant allele.
Comment: p.Val267Met in exon 49 of OTOG: This variant is not expected to have clinical si gnificance due to a lack of conservation across species, including mammals. Of n ote, four mammals have a methionine (Met) at this position. It has been identifi ed in 1/5042 of European chromosomes by the Exome Aggregation Consortium (ExAC;dbSNP rs542442173).

NM_001292063.2(OTOG):c.7975G>A (p.Val2659Met)

Gene: OTOG (otogelin; plus strand). Cytogenetic location: 11p15.1.
Variant type: single nucleotide variant.
Coding change: c.7975G>A on transcript NM_001292063.2 (MANE Select); coding-DNA position 7975, G replaced by A.
Protein change: p.Val2659Met; replaces valine 2659 with methionine.
Molecular consequence: missense variant.
Genome position (GRCh38, 1-based): chr11:17,640,784, G>A. VCF-style: chr11-17640784-G-A. GRCh37 (hg19) VCF-style: chr11-17662331-G-A.
Other names: c.8011G>A, p.Val2671Met (NM_001277269.2); short protein forms V2671M, V2659M.
Identifiers: ClinVar variation 227802 (VCV000227802.12), dbSNP rs542442173, ClinGen allele CA5906204.
Genomic context (GRCh38, chr11:17,640,784, plus strand): 5'-GACTGCCTCTGCCCCACCCAGTGGGAGAAATCCCAGCTGGATGAGGAGTTCATGCACAGC[G>A]TGGAGAATGTGTGTGGCTGCGCCAAGTACGAGTGTGGTGAGTGGGGGAAGCCTCGGGGCA-3'
Protein context (NP_001278992.1, residues 2649-2669): SQLDEEFMHS[Val2659Met]ENVCGCAKYE